The following is an entry in ClinVar:

NM_001042492.3(NF1):c.3496+3G>A

Gene: NF1 (neurofibromin 1; plus strand). Cytogenetic location: 17q11.2.
Variant type: single nucleotide variant.
Coding change: c.3496+3G>A on transcript NM_001042492.3 (MANE Select); 3 bases into the intron after coding-DNA position 3496, G replaced by A.
Molecular consequence: intron variant.
Genome position (GRCh38, 1-based): chr17:31,232,884, G>A. VCF-style: chr17-31232884-G-A. GRCh37 (hg19) VCF-style: chr17-29559902-G-A.
Other names: c.3496+3G>A (NM_000267.4).
Identifiers: ClinVar variation 404476 (VCV000404476.12), dbSNP rs1060500287, ClinGen allele CA16615193.

ClinVar aggregate classification (germline): Conflicting classifications of pathogenicity. Review status: criteria provided, conflicting classifications (1 of 4 stars). 3 submissions from 3 submitters: Uncertain significance (1); Likely benign (2). Last evaluated 2026-05-12.

Conditions:
Hereditary cancer-predisposing syndrome. Also called: Hereditary Cancer Syndrome; Neoplastic Syndromes, Hereditary; Hereditary neoplastic syndrome; Tumor predisposition. Identifiers: Orphanet 140162, MedGen C0027672, MeSH D009386, MONDO:0015356.
Cardiovascular phenotype. Identifiers: MedGen CN230736.
Neurofibromatosis, type 1 (NF1). Also called: VON RECKLINGHAUSEN DISEASE; NEUROFIBROMATOSIS, TYPE I, SOMATIC; Neurofibromatosis, type I; Peripheral type neurofibromatosis. Identifiers: Orphanet 636, MedGen C0027831, MONDO:0018975, OMIM 162200. Disease mechanism: loss of function.

Allele frequency attached by ClinVar (database versions not stated): gnomAD exomes below 0.00001.
gnomAD v4.1: 1 of 1,614,020 alleles (0.000062%); highest among the groups gnomAD compares: Non-Finnish European, 0.000085%; no homozygotes.

Submissions (3):

Myriad Genetics, Inc.
Classification: Likely benign for Neurofibromatosis, type 1. Last evaluated: 2026-05-12. Review status: criteria provided, single submitter. Criteria: Myriad Autosomal Dominant, Autosomal Recessive and X-Linked Classification Criteria (2023). Collection method: clinical testing. Allele origin: unknown.
Comment: This variant is considered likely benign. This variant is intronic and is not expected to impact mRNA splicing.

Ambry Genetics
Classification: Likely benign for Cardiovascular phenotype; Hereditary cancer-predisposing syndrome. Last evaluated: 2025-07-29. Review status: criteria provided, single submitter. Criteria: Ambry Variant Classification Scheme 2023. Collection method: clinical testing. Allele origin: germline.

Labcorp Genetics (formerly Invitae), Labcorp
Classification: Uncertain significance for Neurofibromatosis, type 1. Last evaluated: 2024-12-18. Review status: criteria provided, single submitter. Criteria: Invitae Variant Classification Sherloc (09022015). Collection method: clinical testing. Allele origin: germline.
Comment: This sequence change falls in intron 26 of the NF1 gene. It does not directly change the encoded amino acid sequence of the NF1 protein. It affects a nucleotide within the consensus splice site. This variant is not present in population databases (gnomAD no frequency). This variant has not been reported in the literature in individuals affected with NF1-related conditions. ClinVar contains an entry for this variant (Variation ID: 404476). Variants that disrupt the consensus splice site are a relatively common cause of aberrant splicing (PMID: 17576681, 9536098). Algorithms developed to predict the effect of sequence changes on RNA splicing suggest that this variant is not likely to affect RNA splicing. In summary, the available evidence is currently insufficient to determine the role of this variant in disease. Therefore, it has been classified as a Variant of Uncertain Significance.

Literature cited by the submitters: PubMed 17576681 (cited by Labcorp Genetics (formerly Invitae), Labcorp); PubMed 9536098 (cited by Labcorp Genetics (formerly Invitae), Labcorp).